The following is an entry in ClinVar:

NM_000255.4(MMUT):c.385+18_385+19insT

Gene: MMUT (methylmalonyl-CoA mutase; minus strand). Cytogenetic location: 6p12.3.
Variant type: Insertion.
Coding change: c.385+18_385+19insT on transcript NM_000255.4 (MANE Select); bases 18 to 19 of the intron after coding-DNA position 385, T inserted.
Molecular consequence: intron variant.
Genome position: GRCh38 VCF-style: chr6-49459063-T-TA. GRCh37 (hg19) VCF-style: chr6-49426776-T-TA.
Other names: KC594097.1.
Identifiers: ClinVar variation 100709 (VCV000100709.1), dbSNP rs483352803, ClinGen allele CA235524.

ClinVar aggregate classification (germline): not provided (0 of 4 stars; one submission).

Submission:

Medical Genetics Unit, Ain Shams University Pediatrics Hospital
No classification provided. Review status: no classification provided. Collection method: not provided. Allele origin: not provided.
Comment: Methylmalonic aciduria